The following is an entry in ClinVar:

ClinVar aggregate classification (germline): Conflicting classifications of pathogenicity. Review status: criteria provided, conflicting classifications (1 of 4 stars). 2 submissions from 2 submitters: Uncertain significance (1); Likely benign (1). Last evaluated 2026-01-25.

Conditions:
Cardiovascular phenotype. Identifiers: MedGen CN230736.
Anterior segment dysgenesis. Also called: Ocular anterior segment dysgenesis. Identifiers: Orphanet 88632, MedGen C1862839, MONDO:0019503, HP:0007700.
Congenital primary aphakia. Also called: Anterior segment dysgenesis 2, multiple subtypes; ANTERIOR SEGMENT DYSGENESIS 2. Identifiers: Orphanet 83461, MedGen C1853230, MONDO:0012456, OMIM 610256.

Submissions (2):

Labcorp Genetics (formerly Invitae), Labcorp
Classification: Uncertain significance for Anterior segment dysgenesis; Congenital primary aphakia. Last evaluated: 2026-01-25. Review status: criteria provided, single submitter. Criteria: Invitae Variant Classification Sherloc (09022015). Collection method: clinical testing. Allele origin: germline.
Comment: This sequence change affects codon 199 of the FOXE3 mRNA. It is a 'silent' change, meaning that it does not change the encoded amino acid sequence of the FOXE3 protein. This variant is not present in population databases (gnomAD no frequency). This variant has not been reported in the literature in individuals affected with FOXE3-related conditions. ClinVar contains an entry for this variant (Variation ID: 3516695). In summary, the available evidence is currently insufficient to determine the role of this variant in disease. Therefore, it has been classified as a Variant of Uncertain Significance.

Ambry Genetics
Classification: Likely benign for Cardiovascular phenotype. Last evaluated: 2024-08-19. Review status: criteria provided, single submitter. Criteria: Ambry Variant Classification Scheme 2023. Collection method: clinical testing. Allele origin: germline.

NM_012186.3(FOXE3):c.595C>T (p.Leu199=)

Genes: FOXE3 (forkhead box E3; plus strand), LINC01389 (long independently transcribed non-coding RNA 1389; minus strand). Cytogenetic location: 1p33.
Variant type: single nucleotide variant.
Coding change: c.595C>T on transcript NM_012186.3 (MANE Select); coding-DNA position 595, C replaced by T.
Protein change: p.Leu199=; no amino-acid change (leucine 199 retained).
Molecular consequence: synonymous variant.
Genome position (GRCh38, 1-based): chr1:47,416,910, C>T. VCF-style: chr1-47416910-C-T. GRCh37 (hg19) VCF-style: chr1-47882582-C-T.
Identifiers: ClinVar variation 3516695 (VCV003516695.2).